The following is an entry in ClinVar:

NM_001363711.2(DUOX2):c.3527C>T (p.Pro1176Leu)

Gene: DUOX2 (dual oxidase 2; minus strand). Cytogenetic location: 15q21.1.
Variant type: single nucleotide variant.
Coding change: c.3527C>T on transcript NM_001363711.2 (MANE Select); coding-DNA position 3527, C replaced by T.
Protein change: p.Pro1176Leu; replaces proline 1176 with leucine.
Molecular consequence: missense variant.
Genome position (GRCh38, 1-based): chr15:45,098,047, G>A on the plus strand (C>T on the coding strand, the complement: DUOX2 is on the minus strand). VCF-style: chr15-45098047-G-A. GRCh37 (hg19) VCF-style: chr15-45390245-G-A.
Other names: c.3527C>T, p.Pro1176Leu (NM_014080.5); short protein forms P1176L.
Identifiers: ClinVar variation 1720811 (VCV001720811.5), dbSNP rs2504745606, ClinGen allele CA392258183.

ClinVar aggregate classification (germline): Uncertain significance (1 of 4 stars; one submission).

Submission:

Labcorp Genetics (formerly Invitae), Labcorp
Classification: Uncertain significance. Last evaluated: 2022-10-01. Review status: criteria provided, single submitter. Criteria: Invitae Variant Classification Sherloc (09022015). Collection method: clinical testing. Allele origin: germline.
Comment: In summary, the available evidence is currently insufficient to determine the role of this variant in disease. Therefore, it has been classified as a Variant of Uncertain Significance. Advanced modeling of protein sequence and biophysical properties (such as structural, functional, and spatial information, amino acid conservation, physicochemical variation, residue mobility, and thermodynamic stability) performed at Invitae indicates that this missense variant is expected to disrupt DUOX2 protein function. This variant has not been reported in the literature in individuals affected with DUOX2-related conditions. This variant is not present in population databases (gnomAD no frequency). This sequence change replaces proline, which is neutral and non-polar, with leucine, which is neutral and non-polar, at codon 1176 of the DUOX2 protein (p.Pro1176Leu).